The following is an entry in ClinVar:

ClinVar aggregate classification (germline): Benign/Likely benign. Review status: criteria provided, multiple submitters, no conflicts (2 of 4 stars). 5 submissions from 5 submitters: Benign (1); Likely benign (4). Last evaluated 2025-04-23.

Conditions:
Hereditary nonpolyposis colorectal neoplasms. Identifiers: MedGen C0009405, MeSH D003123.
Lynch syndrome. Identifiers: Orphanet 144, MedGen C4552100, MONDO:0005835. Disease mechanism: loss of function.
Lynch syndrome 5 (LYNCH5). Also called: Hereditary non-polyposis colorectal cancer, type 5; Colorectal cancer, hereditary nonpolyposis, type 5. Identifiers: Orphanet 144, MedGen C1833477, MONDO:0013710, OMIM 614350. Disease mechanism: loss of function.
Hereditary cancer-predisposing syndrome. Also called: Hereditary Cancer Syndrome; Hereditary neoplastic syndrome; Neoplastic Syndromes, Hereditary; Tumor predisposition. Identifiers: Orphanet 140162, MedGen C0027672, MeSH D009386, MONDO:0015356.

Submissions (5):

Labcorp Genetics (formerly Invitae), Labcorp
Classification: Likely benign for Hereditary nonpolyposis colorectal neoplasms. Last evaluated: 2025-04-23. Review status: criteria provided, single submitter. Criteria: Invitae Variant Classification Sherloc (09022015). Collection method: clinical testing. Allele origin: germline.

Myriad Genetics, Inc.
Classification: Benign for Lynch syndrome 5. Last evaluated: 2025-01-07. Review status: criteria provided, single submitter. Criteria: Myriad Autosomal Dominant, Autosomal Recessive and X-Linked Classification Criteria (2023). Collection method: clinical testing. Allele origin: unknown.
Comment: This variant is considered benign. This variant is a silent/synonymous amino acid change and it is not expected to impact splicing.

Ambry Genetics
Classification: Likely benign for Hereditary cancer-predisposing syndrome. Last evaluated: 2024-11-05. Review status: criteria provided, single submitter. Criteria: Ambry Variant Classification Scheme 2023. Collection method: clinical testing. Allele origin: germline.

All of Us Research Program, National Institutes of Health
Classification: Likely benign for Lynch syndrome. Last evaluated: 2022-11-30. Review status: criteria provided, single submitter. Criteria: ACMG Guidelines, 2015. Collection method: clinical testing. Allele origin: germline. Inheritance: Autosomal dominant inheritance. Observed: 1 variant allele, 1 heterozygote.
Comment: This study involves interpretation of variants in research participants for the purpose of population health screening. Participant phenotype was not available at the time of variant classification. Additional details can be found in publication PMID: 35346344, PMCID: PMC8962531

GeneDx
Classification: Likely benign. Last evaluated: 2016-09-14. Review status: criteria provided, single submitter. Criteria: GeneDx Variant Classification (06012015). Collection method: clinical testing. Allele origin: germline. Affected: yes.
Comment: This variant is considered likely benign or benign based on one or more of the following criteria: it is a conservative change, it occurs at a poorly conserved position in the protein, it is predicted to be benign by multiple in silico algorithms, and/or has population frequency not consistent with disease.

NM_000179.3(MSH6):c.3483T>G (p.Pro1161=)

Gene: MSH6 (mutS homolog 6; plus strand). Cytogenetic location: 2p16.3.
Variant type: single nucleotide variant.
Coding change: c.3483T>G on transcript NM_000179.3 (MANE Select); coding-DNA position 3483, T replaced by G.
Protein change: p.Pro1161=; no amino-acid change (proline 1161 retained).
Molecular consequence: synonymous variant.
Genome position (GRCh38, 1-based): chr2:47,804,954, T>G. VCF-style: chr2-47804954-T-G. GRCh37 (hg19) VCF-style: chr2-48032093-T-G.
Other names: c.3093T>G, p.Pro1031= (NM_001281492.2); c.2577T>G, p.Pro859= (NM_001281493.2, NM_001281494.2).
Identifiers: ClinVar variation 389285 (VCV000389285.9), dbSNP rs757064383, ClinGen allele CA16604597.